The following is an entry in ClinVar:

NM_001387430.1(SH2B1):c.1245G>A (p.Ser415=)

Gene: SH2B1 (SH2B adaptor protein 1; plus strand). Cytogenetic location: 16p11.2.
Variant type: single nucleotide variant.
Coding change: c.1245G>A on transcript NM_001387430.1 (MANE Select); coding-DNA position 1245, G replaced by A.
Protein change: p.Ser415=; no amino-acid change (serine 415 retained).
Molecular consequence: synonymous variant.
Genome position (GRCh38, 1-based): chr16:28,869,319, G>A. VCF-style: chr16-28869319-G-A. GRCh37 (hg19) VCF-style: chr16-28880640-G-A.
Other names: c.1245G>A, p.Ser415= (NM_001145795.2, NM_001145796.2, NM_001145797.2 and 4 more transcripts); c.237G>A, p.Ser79= (NM_001308294.2).
Identifiers: ClinVar variation 3057942 (VCV003057942.2), dbSNP rs752866915, ClinGen allele CA7986142.
Genomic context (GRCh38, chr16:28,869,319, plus strand): 5'-GACCTCATTCCTTACAAGGGAGAACACAGACAGCCTGGAGCTGTCCTGCCTGAATCACTC[G>A]GAGAGTCTACCCAGCCAGGACCTGCTGCTTGGACCCAGCGAGAGCAATGACCGCCTGTCG-3'
Protein context (NP_001374359.1, residues 405-425): DSLELSCLNH[Ser415=]ESLPSQDLLL

ClinVar aggregate classification (germline): Likely benign (0 of 4 stars; one submission).

Conditions:
SH2B1-related disorder. Also called: SH2B1-related condition.

Allele frequency attached by ClinVar (database versions not stated): ExAC 0.00002; gnomAD exomes 0.00003; TOPMed 0.00003; gnomAD 0.00005.
gnomAD v4.1: 57 of 1,613,988 alleles (0.0035%); highest among the groups gnomAD compares: Admixed American, 0.013%; no homozygotes.

Submission:

PreventionGenetics, part of Exact Sciences
Classification: Likely benign for SH2B1-related condition. Last evaluated: 2020-04-06. Review status: no assertion criteria provided. Collection method: clinical testing. Allele origin: germline.
Comment: This variant is classified as likely benign based on ACMG/AMP sequence variant interpretation guidelines (Richards et al. 2015 PMID: 25741868, with internal and published modifications).